The following is an entry in ClinVar:

NC_000006.11:g.(?_64472344)_(64574261_?)del

Gene: EYS (eyes shut homolog; minus strand). Cytogenetic location: 6q12.
Variant type: Deletion.
Identifiers: ClinVar variation 1074806 (VCV001074806.1).

ClinVar aggregate classification (germline): Pathogenic (1 of 4 stars; one submission).

Submission:

Labcorp Genetics (formerly Invitae), Labcorp
Classification: Pathogenic. Last evaluated: 2020-10-27. Review status: criteria provided, single submitter. Criteria: Invitae Variant Classification Sherloc (09022015). Collection method: clinical testing. Allele origin: germline.
Comment: This variant is an out-of-frame deletion of the genomic region encompassing exon(s) 36-41 of the EYS gene. This is expected to create a premature translational stop signal and result in an absent or disrupted protein product. This variant has not been reported in the literature in individuals with EYS-related conditions. Loss-of-function variants in EYS are known to be pathogenic (PMID: 18836446, 20333770). For these reasons, this variant has been classified as Pathogenic.

Literature cited by the submitters: PubMed 18836446; PubMed 20333770.